The following is an entry in ClinVar:

NM_000163.5(GHR):c.1906A>C (p.Ile636Leu)

Gene: GHR (growth hormone receptor; plus strand). Cytogenetic location: 5p12.
Variant type: single nucleotide variant.
Coding change: c.1906A>C on transcript NM_000163.5 (MANE Select); coding-DNA position 1906, A replaced by C.
Protein change: p.Ile636Leu; replaces isoleucine 636 with leucine.
Molecular consequence: missense variant. On other transcripts: 3 prime UTR variant (1).
Genome position (GRCh38, 1-based): chr5:42,719,413, A>C. VCF-style: chr5-42719413-A-C. GRCh37 (hg19) VCF-style: chr5-42719515-A-C.
Other names: c.1927A>C, p.Ile643Leu (NM_001242399.2); c.1906A>C, p.Ile636Leu (NM_001242400.2, NM_001242401.4, NM_001242402.2 and 4 more transcripts); c.1840A>C, p.Ile614Leu (NM_001242460.2); c.*948A>C (NM_001242462.1); short protein forms I643L, I614L, I636L.
Identifiers: ClinVar variation 1503682 (VCV001503682.3), dbSNP rs1229516411, ClinGen allele CA359631242.

ClinVar aggregate classification (germline): Uncertain significance (1 of 4 stars; one submission).

Allele frequency attached by ClinVar (database versions not stated): gnomAD exomes below 0.00001 and 0.00001; TOPMed below 0.00001.
gnomAD v4.1: 8 of 1,613,028 alleles (0.0005%); highest among the groups gnomAD compares: South Asian, 0.0022%; no homozygotes.

Submission:

Labcorp Genetics (formerly Invitae), Labcorp
Classification: Uncertain significance. Last evaluated: 2021-10-12. Review status: criteria provided, single submitter. Criteria: Invitae Variant Classification Sherloc (09022015). Collection method: clinical testing. Allele origin: germline.
Comment: This sequence change replaces isoleucine, which is neutral and non-polar, with leucine, which is neutral and non-polar, at codon 636 of the GHR protein (p.Ile636Leu). This variant is present in population databases (no rsID available, gnomAD 0.0009%). This variant has not been reported in the literature in individuals affected with GHR-related conditions. Algorithms developed to predict the effect of missense changes on protein structure and function are either unavailable or do not agree on the potential impact of this missense change (SIFT: "Tolerated"; PolyPhen-2: "Probably Damaging"; Align-GVGD: "Class C0"). In summary, the available evidence is currently insufficient to determine the role of this variant in disease. Therefore, it has been classified as a Variant of Uncertain Significance.